The following is an entry in ClinVar:

ClinVar aggregate classification (germline): Uncertain significance (1 of 4 stars; one submission).

Conditions:
DICER1-related tumor predisposition. Also called: DICER1 syndrome; DICER1-related pleuropulmonary blastoma cancer predisposition syndrome. Identifiers: Orphanet 284343, MedGen C3839822, MONDO:0100216.

Submission:

Labcorp Genetics (formerly Invitae), Labcorp
Classification: Uncertain significance for DICER1-related tumor predisposition. Last evaluated: 2023-08-01. Review status: criteria provided, single submitter. Criteria: Invitae Variant Classification Sherloc (09022015). Collection method: clinical testing. Allele origin: germline.
Comment: This variant is not present in population databases (gnomAD no frequency). This sequence change replaces glutamic acid, which is acidic and polar, with lysine, which is basic and polar, at codon 497 of the DICER1 protein (p.Glu497Lys). This variant has not been reported in the literature in individuals affected with DICER1-related conditions. In summary, the available evidence is currently insufficient to determine the role of this variant in disease. Therefore, it has been classified as a Variant of Uncertain Significance. Advanced modeling of protein sequence and biophysical properties (such as structural, functional, and spatial information, amino acid conservation, physicochemical variation, residue mobility, and thermodynamic stability) performed at Invitae indicates that this missense variant is not expected to disrupt DICER1 protein function.

NM_177438.3(DICER1):c.1489G>A (p.Glu497Lys)

Gene: DICER1 (dicer 1, ribonuclease III; minus strand). Cytogenetic location: 14q32.13.
Variant type: single nucleotide variant.
Coding change: c.1489G>A on transcript NM_177438.3 (MANE Select); coding-DNA position 1489, G replaced by A.
Protein change: p.Glu497Lys; replaces glutamic acid 497 with lysine.
Molecular consequence: missense variant. On other transcripts: 5 prime UTR variant (1), non-coding transcript variant (6).
Genome position (GRCh38, 1-based): chr14:95,117,642, C>T on the plus strand (G>A on the coding strand, the complement: DICER1 is on the minus strand). VCF-style: chr14-95117642-C-T. GRCh37 (hg19) VCF-style: chr14-95583979-C-T.
Other names: c.1489G>A, p.Glu497Lys (NM_001195573.1, NM_001271282.3, NM_001291628.2 and 13 more transcripts); c.1207G>A, p.Glu403Lys (NM_001395686.1); c.1084G>A, p.Glu362Lys (NM_001395687.1, NM_001395688.1, NM_001395689.1 and 3 more transcripts); c.922G>A, p.Glu308Lys (NM_001395691.1); c.-80G>A (NM_001395697.1); short protein forms E362K, E403K, E497K, E308K.
Identifiers: ClinVar variation 2748948 (VCV002748948.3), dbSNP rs2543060514, ClinGen allele CA390885455.
Genomic context (GRCh38, chr14:95,117,642, plus strand): 5'-CCGAAAACTGTTATTGTACACTTATTTTGATTTAAGTTACCTCTTCCTGTTTTCTGAATT[C>T]TGCTTCCATCTGTTTGTTGCGAGGCTGATTCTTCCCAATGCCATGTCCAGTTATGAAATT-3'
Protein context (NP_803187.1, residues 487-507): NQPRNKQMEA[Glu497Lys]FRKQEEVLRK